The following is an entry in ClinVar:

ClinVar aggregate classification (germline): Uncertain significance. Review status: criteria provided, multiple submitters, no conflicts (2 of 4 stars). 2 submissions from 2 submitters: Uncertain significance (2). Last evaluated 2024-11-26.

Conditions:
Inborn genetic diseases. Identifiers: MedGen C0950123, MeSH D030342.

gnomAD v4.1: 1 of 1,613,434 alleles (0.000062%); highest among the groups gnomAD compares: Non-Finnish European, 0.000085%; no homozygotes.

Submissions (2):

Ambry Genetics
Classification: Uncertain significance for Inborn genetic diseases. Last evaluated: 2024-11-26. Review status: criteria provided, single submitter. Criteria: Ambry Variant Classification Scheme 2023. Collection method: clinical testing. Allele origin: germline.

Labcorp Genetics (formerly Invitae), Labcorp
Classification: Uncertain significance. Last evaluated: 2022-08-12. Review status: criteria provided, single submitter. Criteria: Invitae Variant Classification Sherloc (09022015). Collection method: clinical testing. Allele origin: germline.
Comment: This sequence change replaces histidine, which is basic and polar, with glutamine, which is neutral and polar, at codon 219 of the POC1A protein (p.His219Gln). This variant is present in population databases (no rsID available, gnomAD 0.0009%). This variant has not been reported in the literature in individuals affected with POC1A-related conditions. Algorithms developed to predict the effect of missense changes on protein structure and function are either unavailable or do not agree on the potential impact of this missense change (SIFT: "Not Available"; PolyPhen-2: "Benign"; Align-GVGD: "Not Available"). In summary, the available evidence is currently insufficient to determine the role of this variant in disease. Therefore, it has been classified as a Variant of Uncertain Significance.

NM_015426.5(POC1A):c.657C>G (p.His219Gln)

Gene: POC1A (POC1 centriolar protein A; minus strand). Cytogenetic location: 3p21.2.
Variant type: single nucleotide variant.
Coding change: c.657C>G on transcript NM_015426.5 (MANE Select); coding-DNA position 657, C replaced by G.
Protein change: p.His219Gln; replaces histidine 219 with glutamine.
Molecular consequence: missense variant.
Genome position (GRCh38, 1-based): chr3:52,145,868, G>C on the plus strand (C>G on the coding strand, the complement: POC1A is on the minus strand). VCF-style: chr3-52145868-G-C. GRCh37 (hg19) VCF-style: chr3-52179884-G-C.
Other names: c.657C>G, p.His219Gln (NM_001161580.2); c.543C>G, p.His181Gln (NM_001161581.2); c.657C>G (NM_015426.4); short protein forms H181Q, H219Q.
Identifiers: ClinVar variation 1716206 (VCV001716206.4), dbSNP rs1436865238, ClinGen allele CA353044573.
Genomic context (GRCh38, chr3:52,145,868, plus strand): 5'-GGGCTGCCCTTGGGCCCAGGAGGCTGTTCACCACTCACACTGATAATGCTGCAGCAGCCG[G>C]TGAGTCCGCACGTCCCACACCTTCACTGTGTTGTCCATGCCGGCAGCGGCAATGCACGTC-3'
Protein context (NP_056241.3, residues 209-229): NTVKVWDVRT[His219Gln]RLLQHYQLHS